The following is an entry in ClinVar:

ClinVar aggregate classification (germline): Uncertain significance (1 of 4 stars; one submission).

Allele frequency attached by ClinVar (database versions not stated): gnomAD exomes below 0.00001; gnomAD 0.00001.
gnomAD v4.1: 5 of 1,614,070 alleles (0.00031%); highest among the groups gnomAD compares: Non-Finnish European, 0.00034%; no homozygotes.

Submission:

Labcorp Genetics (formerly Invitae), Labcorp
Classification: Uncertain significance. Last evaluated: 2021-05-05. Review status: criteria provided, single submitter. Criteria: Invitae Variant Classification Sherloc (09022015). Collection method: clinical testing. Allele origin: germline.
Comment: In summary, the available evidence is currently insufficient to determine the role of this variant in disease. Therefore, it has been classified as a Variant of Uncertain Significance. Algorithms developed to predict the effect of missense changes on protein structure and function are either unavailable or do not agree on the potential impact of this missense change (SIFT: "Not Available"; PolyPhen-2: "Benign"; Align-GVGD: "Not Available"). This sequence change replaces threonine with serine at codon 238 of the FN1 protein (p.Thr238Ser). The threonine residue is moderately conserved and there is a small physicochemical difference between threonine and serine. This variant is not present in population databases (ExAC no frequency). This variant has not been reported in the literature in individuals with FN1-related conditions.

NM_212482.4(FN1):c.712A>T (p.Thr238Ser)

Gene: FN1 (fibronectin 1; minus strand). Cytogenetic location: 2q35.
Variant type: single nucleotide variant.
Coding change: c.712A>T on transcript NM_212482.4 (MANE Select); coding-DNA position 712, A replaced by T.
Protein change: p.Thr238Ser; replaces threonine 238 with serine.
Molecular consequence: missense variant.
Genome position (GRCh38, 1-based): chr2:215,428,312, T>A on the plus strand (A>T on the coding strand, the complement: FN1 is on the minus strand). VCF-style: chr2-215428312-T-A. GRCh37 (hg19) VCF-style: chr2-216293035-T-A.
Other names: c.712A>T, p.Thr238Ser (NM_001306129.2, NM_001306130.2, NM_001306131.2 and 14 more transcripts); short protein forms T238S.
Identifiers: ClinVar variation 1437171 (VCV001437171.6), dbSNP rs1271066449, ClinGen allele CA350474279.